The following is an entry in ClinVar:

NM_000019.4(ACAT1):c.770A>C (p.Lys257Thr)

Gene: ACAT1 (acetyl-CoA acetyltransferase 1; plus strand). Cytogenetic location: 11q22.3.
Variant type: single nucleotide variant.
Coding change: c.770A>C on transcript NM_000019.4 (MANE Select); coding-DNA position 770, A replaced by C.
Protein change: p.Lys257Thr; replaces lysine 257 with threonine.
Molecular consequence: missense variant.
Genome position (GRCh38, 1-based): chr11:108,141,644, A>C. VCF-style: chr11-108141644-A-C. GRCh37 (hg19) VCF-style: chr11-108012371-A-C.
Other names: c.770A>C, p.Lys257Thr (LRG_1400t1); short protein forms K257T.
Identifiers: ClinVar variation 302201 (VCV000302201.14), dbSNP rs370652435, ClinGen allele CA6263210.

ClinVar aggregate classification (germline): Uncertain significance. Review status: criteria provided, multiple submitters, no conflicts (2 of 4 stars). 4 submissions from 4 submitters: Uncertain significance (3). 1 of the submissions does not count toward it. Last evaluated 2025-08-04.

Conditions:
Deficiency of acetyl-CoA acetyltransferase. Also called: Beta-ketothiolase deficiency; 3-KETOTHIOLASE DEFICIENCY; 3-OXOTHIOLASE DEFICIENCY; MITOCHONDRIAL ACETOACETYL-CoA THIOLASE DEFICIENCY. Identifiers: Orphanet 134, MedGen C1536500, MONDO:0008760, OMIM 203750. Disease mechanism: loss of function.
Inborn genetic diseases. Identifiers: MedGen C0950123, MeSH D030342.

Allele frequency attached by ClinVar (database versions not stated): gnomAD 0.00004; gnomAD exomes 0.00004; ExAC 0.00005; TOPMed 0.00006; ESP Exome Variant Server 0.00008.
gnomAD v4.1: 125 of 1,613,436 alleles (0.0077%); highest among the groups gnomAD compares: Non-Finnish European, 0.01%; no homozygotes.

Submissions (4):

Ambry Genetics
Classification: Uncertain significance for Inborn genetic diseases. Last evaluated: 2025-08-04. Review status: criteria provided, single submitter. Criteria: Ambry Variant Classification Scheme 2023. Collection method: clinical testing. Allele origin: germline.

Labcorp Genetics (formerly Invitae), Labcorp
Classification: Uncertain significance for Deficiency of acetyl-CoA acetyltransferase. Last evaluated: 2021-08-31. Review status: criteria provided, single submitter. Criteria: Invitae Variant Classification Sherloc (09022015). Collection method: clinical testing. Allele origin: germline.
Comment: This sequence change replaces lysine with threonine at codon 257 of the ACAT1 protein (p.Lys257Thr). The lysine residue is highly conserved and there is a moderate physicochemical difference between lysine and threonine. This variant is present in population databases (rs370652435, ExAC 0.009%). This variant has not been reported in the literature in individuals affected with ACAT1-related conditions. ClinVar contains an entry for this variant (Variation ID: 302201). Algorithms developed to predict the effect of missense changes on protein structure and function are either unavailable or do not agree on the potential impact of this missense change (SIFT: "Deleterious"; PolyPhen-2: "Benign"; Align-GVGD: "Class C0"). In summary, the available evidence is currently insufficient to determine the role of this variant in disease. Therefore, it has been classified as a Variant of Uncertain Significance.

Illumina Laboratory Services, Illumina
Classification: Uncertain significance for Deficiency of acetyl-CoA acetyltransferase. Last evaluated: 2018-01-13. Review status: criteria provided, single submitter. Criteria: ICSL Variant Classification Criteria 13 December 2019. Collection method: clinical testing. Allele origin: germline.

Natera, Inc.
Classification: Uncertain significance for Alpha-methylacetoacetic aciduria. Last evaluated: 2019-10-28. Review status: no assertion criteria provided. Collection method: clinical testing. Allele origin: germline. Not counted in ClinVar's aggregate classification.